The following is an entry in ClinVar:

NM_182961.4(SYNE1):c.6431A>G (p.Asn2144Ser)

Gene: SYNE1 (spectrin repeat containing nuclear envelope protein 1; minus strand). Cytogenetic location: 6q25.2.
Variant type: single nucleotide variant.
Coding change: c.6431A>G on transcript NM_182961.4 (MANE Select); coding-DNA position 6431, A replaced by G.
Protein change: p.Asn2144Ser; replaces asparagine 2144 with serine.
Molecular consequence: missense variant.
Genome position (GRCh38, 1-based): chr6:152,409,177, T>C on the plus strand (A>G on the coding strand, the complement: SYNE1 is on the minus strand). VCF-style: chr6-152409177-T-C. GRCh37 (hg19) VCF-style: chr6-152730312-T-C.
Other names: c.6452A>G (NM_033071.3); c.6452A>G, p.Asn2151Ser (NM_033071.5); short protein forms N2144S, N2151S.
Identifiers: ClinVar variation 993992 (VCV000993992.16), dbSNP rs28447480, ClinGen allele CA4058068.

ClinVar aggregate classification (germline): Uncertain significance. Review status: criteria provided, multiple submitters, no conflicts (2 of 4 stars). 3 submissions from 3 submitters: Uncertain significance (3). Last evaluated 2024-07-24.

Conditions:
Autosomal recessive ataxia, Beauce type. Also called: ATAXIA, RECESSIVE, OF BEAUCE; Spinocerebellar ataxia, autosomal recessive 8; SYNE1-Related Autosomal Recessive Cerebellar Ataxia; SYNE1 Deficiency. Identifiers: Orphanet 88644, MedGen C1853116, MONDO:0012549, OMIM 610743.
Emery-Dreifuss muscular dystrophy 4, autosomal dominant (EDMD4). Also called: EMERY-DREIFUSS MUSCULAR DYSTROPHY 4 WITH VARIABLE FEATURES. Identifiers: Orphanet 261, MedGen C2751807, MONDO:0013071, OMIM 612998.

Allele frequency attached by ClinVar (database versions not stated): ExAC 0.00001; gnomAD exomes 0.00001 and 0.00004; gnomAD 0.00002 and 0.00003; TOPMed 0.00003.
gnomAD v4.1: 59 of 1,614,044 alleles (0.0037%); highest among the groups gnomAD compares: Non-Finnish European, 0.0048%; no homozygotes.

Submissions (3):

Revvity Omics, Revvity
Classification: Uncertain significance. Last evaluated: 2024-07-24. Review status: criteria provided, single submitter. Criteria: ACMG Guidelines, 2015. Collection method: clinical testing. Allele origin: germline.

Labcorp Genetics (formerly Invitae), Labcorp
Classification: Uncertain significance for Emery-Dreifuss muscular dystrophy 4, autosomal dominant; Autosomal recessive ataxia, Beauce type. Last evaluated: 2022-10-05. Review status: criteria provided, single submitter. Criteria: Invitae Variant Classification Sherloc (09022015). Collection method: clinical testing. Allele origin: germline.
Comment: This sequence change replaces asparagine, which is neutral and polar, with serine, which is neutral and polar, at codon 2151 of the SYNE1 protein (p.Asn2151Ser). This variant is present in population databases (rs28447480, gnomAD 0.007%). In summary, the available evidence is currently insufficient to determine the role of this variant in disease. Therefore, it has been classified as a Variant of Uncertain Significance. Algorithms developed to predict the effect of missense changes on protein structure and function output the following: SIFT: "Tolerated"; PolyPhen-2: "Benign"; Align-GVGD: "Class C0". The serine amino acid residue is found in multiple mammalian species, which suggests that this missense change does not adversely affect protein function. ClinVar contains an entry for this variant (Variation ID: 993992). This variant has not been reported in the literature in individuals affected with SYNE1-related conditions.

ARUP Laboratories, Molecular Genetics and Genomics, ARUP Laboratories
Classification: Uncertain significance. Last evaluated: 2020-04-08. Review status: criteria provided, single submitter. Criteria: ARUP Molecular Germline Variant Investigation Process. Collection method: clinical testing. Allele origin: germline.